The following is an entry in ClinVar:

ClinVar aggregate classification (germline): Uncertain significance (1 of 4 stars; one submission).

gnomAD v4.1: 5 of 1,614,174 alleles (0.00031%); highest among the groups gnomAD compares: Non-Finnish European, 0.00034%; no homozygotes.

Submission:

Labcorp Genetics (formerly Invitae), Labcorp
Classification: Uncertain significance. Last evaluated: 2023-12-11. Review status: criteria provided, single submitter. Criteria: Invitae Variant Classification Sherloc (09022015). Collection method: clinical testing. Allele origin: germline.
Comment: This sequence change falls in intron 21 of the VPS33B gene. It does not directly change the encoded amino acid sequence of the VPS33B protein. It affects a nucleotide within the consensus splice site. This variant is not present in population databases (gnomAD no frequency). This variant has not been reported in the literature in individuals affected with VPS33B-related conditions. ClinVar contains an entry for this variant (Variation ID: 1908149). Variants that disrupt the consensus splice site are a relatively common cause of aberrant splicing (PMID: 17576681, 9536098). Algorithms developed to predict the effect of sequence changes on RNA splicing suggest that this variant is not likely to affect RNA splicing. In summary, the available evidence is currently insufficient to determine the role of this variant in disease. Therefore, it has been classified as a Variant of Uncertain Significance.

Literature cited by the submitters: PubMed 17576681; PubMed 9536098.

NM_018668.5(VPS33B):c.1657+4T>G

Gene: VPS33B (VPS33B late endosome and lysosome associated; minus strand). Cytogenetic location: 15q26.1.
Variant type: single nucleotide variant.
Coding change: c.1657+4T>G on transcript NM_018668.5 (MANE Select); 4 bases into the intron after coding-DNA position 1657, T replaced by G.
Molecular consequence: intron variant.
Genome position (GRCh38, 1-based): chr15:90,999,896, A>C on the plus strand (T>G on the coding strand, the complement: VPS33B is on the minus strand). VCF-style: chr15-90999896-A-C. GRCh37 (hg19) VCF-style: chr15-91543126-A-C.
Other names: c.1576+4T>G (NM_001289148.1); c.1384+4T>G (NM_001289149.1).
Identifiers: ClinVar variation 1908149 (VCV001908149.5), dbSNP rs772393522, ClinGen allele CA2575838885.